The following is an entry in ClinVar:

NM_145698.5(ACBD5):c.399T>C (p.Thr133=)

Gene: ACBD5 (acyl-CoA binding domain containing 5; minus strand). Cytogenetic location: 10p12.1.
Variant type: single nucleotide variant.
Coding change: c.399T>C on transcript NM_145698.5 (MANE Select); coding-DNA position 399, T replaced by C.
Protein change: p.Thr133=; no amino-acid change (threonine 133 retained).
Molecular consequence: synonymous variant.
Genome position (GRCh38, 1-based): chr10:27,223,429, A>G on the plus strand (T>C on the coding strand, the complement: ACBD5 is on the minus strand). VCF-style: chr10-27223429-A-G. GRCh37 (hg19) VCF-style: chr10-27512358-A-G.
Other names: c.399T>C (NM_145698.4); c.294T>C, p.Thr98= (NM_001042473.4, NM_001352574.2, NM_001352575.2 and 6 more transcripts); c.393T>C, p.Thr131= (NM_001271512.3, NM_001352571.1, NM_001352586.1 and 1 more transcripts); c.72T>C, p.Thr24= (NM_001301251.2, NM_001301252.2, NM_001301253.2 and 4 more transcripts); c.420T>C, p.Thr140= (NM_001352568.1, NM_001352572.1); c.399T>C, p.Thr133= (NM_001352569.1, NM_001352570.1, NM_001352573.1 and 2 more transcripts).
Identifiers: ClinVar variation 2989777 (VCV002989777.5), dbSNP rs758559934, ClinGen allele CA5450962.
Genomic context (GRCh38, chr10:27,223,429, plus strand): 5'-TTTGTCCTCGACAATTTCATAAAATGGACCTATGACACGCAGCAATTCTTCAACTTTCTC[A>G]GTCATTGGCATAGTTTCAATAATCTGTAATCAAAAGAAACAAATATTGTGAAATCACAAA-3'
Protein context (NP_663736.2, residues 123-143): MKKIIETMPM[Thr133=]EKVEELLRVI

ClinVar aggregate classification (germline): Likely benign. Review status: criteria provided, single submitter (1 of 4 stars). 2 submissions from 2 submitters: Likely benign (1). 1 of the submissions does not count toward it. Last evaluated 2024-02-17.

Conditions:
ACBD5-related disorder. Also called: ACBD5-related condition.

Allele frequency attached by ClinVar (database versions not stated): TOPMed 0.00002; gnomAD 0.00003; ExAC 0.00012.
gnomAD v4.1: 52 of 1,613,084 alleles (0.0032%); highest among the groups gnomAD compares: South Asian, 0.056%; 2 homozygotes.

Submissions (2):

Labcorp Genetics (formerly Invitae), Labcorp
Classification: Likely benign. Last evaluated: 2024-02-17. Review status: criteria provided, single submitter. Criteria: Invitae Variant Classification Sherloc (09022015). Collection method: clinical testing. Allele origin: germline.

PreventionGenetics, part of Exact Sciences
Classification: Likely benign for ACBD5-related condition. Last evaluated: 2023-03-22. Review status: no assertion criteria provided. Collection method: clinical testing. Allele origin: germline. Not counted in ClinVar's aggregate classification.
Comment: This variant is classified as likely benign based on ACMG/AMP sequence variant interpretation guidelines (Richards et al. 2015 PMID: 25741868, with internal and published modifications).